The following is an entry in ClinVar:

NM_001367561.1(DOCK7):c.5384A>C (p.Asn1795Thr)

Gene: DOCK7 (dedicator of cytokinesis 7; minus strand). Cytogenetic location: 1p31.3.
Variant type: single nucleotide variant.
Coding change: c.5384A>C on transcript NM_001367561.1 (MANE Select); coding-DNA position 5384, A replaced by C.
Protein change: p.Asn1795Thr; replaces asparagine 1795 with threonine.
Molecular consequence: missense variant.
Genome position (GRCh38, 1-based): chr1:62,489,043, T>G on the plus strand (A>C on the coding strand, the complement: DOCK7 is on the minus strand). VCF-style: chr1-62489043-T-G. GRCh37 (hg19) VCF-style: chr1-62954714-T-G.
Other names: c.5357A>C, p.Asn1786Thr (NM_001271999.2, NM_001330614.2); c.5264A>C, p.Asn1755Thr (NM_001272000.2, NM_001272001.2); c.5291A>C, p.Asn1764Thr (NM_033407.4); short protein forms N1755T, N1764T, N1786T, N1795T.
Identifiers: ClinVar variation 2429498 (VCV002429498.1), dbSNP rs2523962572, ClinGen allele CA340609324.

ClinVar aggregate classification (germline): Uncertain significance (1 of 4 stars; one submission).

Submission:

GeneDx
Classification: Uncertain significance. Last evaluated: 2022-08-11. Review status: criteria provided, single submitter. Criteria: GeneDx Variant Classification Process June 2021. Collection method: clinical testing. Allele origin: germline. Affected: yes.
Comment: Not observed at significant frequency in large population cohorts (gnomAD); In silico analysis supports that this missense variant has a deleterious effect on protein structure/function; Has not been previously published as pathogenic or benign to our knowledge